The following is an entry in ClinVar:

ClinVar aggregate classification (germline): Benign. Review status: criteria provided, multiple submitters, no conflicts (2 of 4 stars). 3 submissions from 2 submitters: Benign (3). Last evaluated 2018-01-13.

Conditions:
Van der Woude syndrome 1. Also called: CLEFT LIP AND/OR PALATE WITH MUCOUS CYSTS OF LOWER LIP; van der Woude Syndrome (VWS). Identifiers: MedGen C4551864, MONDO:0007333, OMIM 119300.
Orofacial cleft 6, susceptibility to (OFC6). Also called: CLEFT LIP WITH OR WITHOUT CLEFT PALATE, NONSYNDROMIC, 6. Identifiers: MedGen C1837213, MONDO:0012141, OMIM 608864.

Allele frequency attached by ClinVar (database versions not stated): TOPMed 0.05669; 1000 Genomes Project 30x 0.12648; 1000 Genomes Project 0.13239.

Submissions (3):

Illumina Laboratory Services, Illumina
Classification: Benign for Orofacial cleft 6, susceptibility to. Last evaluated: 2018-01-13. Review status: criteria provided, single submitter. Criteria: ICSL Variant Classification Criteria 13 December 2019. Collection method: clinical testing. Allele origin: germline.
Comment: This variant was observed in the ICSL laboratory as part of a predisposition screen in an ostensibly healthy population. It had not been previously curated by ICSL or reported in the Human Gene Mutation Database (HGMD: prior to June 1st, 2018), and was therefore a candidate for classification through an automated scoring system. Utilizing variant allele frequency, disease prevalence and penetrance estimates, and inheritance mode, an automated score was calculated to assess if this variant is too frequent to cause the disease. Based on the score and internal cut-off values, a variant classified as benign is not then subjected to further curation. The score for this variant resulted in a classification of benign for this disease.

Illumina Laboratory Services, Illumina
Classification: Benign for Van der Woude syndrome 1. Last evaluated: 2018-01-13. Review status: criteria provided, single submitter. Criteria: ICSL Variant Classification Criteria 13 December 2019. Collection method: clinical testing. Allele origin: germline.
Comment: the same text as in the submission from Illumina Laboratory Services, Illumina above.

Breakthrough Genomics
Classification: Benign. Review status: criteria provided, single submitter. Criteria: ACMG Guidelines, 2015. Collection method: not provided. Allele origin: germline. Inheritance: Autosomal dominant inheritance. Affected: yes.

NM_006147.4(IRF6):c.*2597G>A

Gene: IRF6 (interferon regulatory factor 6; minus strand). Cytogenetic location: 1q32.2.
Variant type: single nucleotide variant.
Coding change: c.*2597G>A on transcript NM_006147.4 (MANE Select); 2597 bases downstream of the stop codon, G replaced by A.
Molecular consequence: 3 prime UTR variant.
Genome position (GRCh38, 1-based): chr1:209,785,823, C>T on the plus strand (G>A on the coding strand, the complement: IRF6 is on the minus strand). VCF-style: chr1-209785823-C-T. GRCh37 (hg19) VCF-style: chr1-209959168-C-T.
Other names: c.*2597G>A (NM_001206696.2).
Identifiers: ClinVar variation 295169 (VCV000295169.6), dbSNP rs1856161, ClinGen allele CA10609010.
Genomic context (GRCh38, chr1:209,785,823, plus strand): 5'-GGCAGCGAAGTCCAAGACAAACAGTCCCTACCTTCAGCAAGTTTGCAGTCAAGCAGGATG[C>T]GGATGCTGAGCATTACAAGGGAAATGATTATTCTGAGAGAGGAAGTATGGGGTGCTATGG-3'